The following is an entry in ClinVar:

NM_000051.4(ATM):c.5921G>A (p.Ser1974Asn)

Genes: ATM (ATM serine/threonine kinase; plus strand), C11orf65 (chromosome 11 open reading frame 65; minus strand). Cytogenetic location: 11q22.3.
Variant type: single nucleotide variant.
Coding change: c.5921G>A on transcript NM_000051.4 (MANE Select); coding-DNA position 5921, G replaced by A.
Protein change: p.Ser1974Asn; replaces serine 1974 with asparagine.
Molecular consequence: missense variant. On other transcripts: intron variant (2).
Genome position (GRCh38, 1-based): chr11:108,312,413, G>A. VCF-style: chr11-108312413-G-A. GRCh37 (hg19) VCF-style: chr11-108183140-G-A.
Other names: c.5921G>A, p.Ser1974Asn (NM_001351834.2); c.641-3342C>T (NM_001330368.2); c.*39-3342C>T (NM_001351110.2); short protein forms S1974N.
Identifiers: ClinVar variation 1020497 (VCV001020497.9), dbSNP rs2084241093, ClinGen allele CA382548630.
Genomic context (GRCh38, chr11:108,312,413, plus strand): 5'-ATTCAGGAGCTTCCAAATAGTATGTTCTCATTAAAAGAGGTGTTCTTGTGACAAACAGAA[G>A]TCTTGCATTTGAAGAAGGAAGCCAGAGTACAACTATTTCTAGCTTGAGTGAAAAAAGTAA-3'
Protein context (NP_000042.3, residues 1964-1984): KKSMDDQEKR[Ser1974Asn]LAFEEGSQST

ClinVar aggregate classification (germline): Uncertain significance (1 of 4 stars; one submission).

Conditions:
Ataxia-telangiectasia syndrome (AT). Also called: Ataxia telangiectasia (A-T); ATAXIA-TELANGIECTASIA, COMPLEMENTATION GROUP A; ATAXIA-TELANGIECTASIA, FRESNO VARIANT; Ataxia-telangiectasia; Ataxia-telangiectasia, complementation group E; LOUIS-BAR SYNDROME. Identifiers: Orphanet 100, MedGen C0004135, MONDO:0008840, OMIM 208900.

Submission:

Labcorp Genetics (formerly Invitae), Labcorp
Classification: Uncertain significance for Ataxia-telangiectasia syndrome. Last evaluated: 2021-03-31. Review status: criteria provided, single submitter. Criteria: Invitae Variant Classification Sherloc (09022015). Collection method: clinical testing. Allele origin: germline.
Comment: In summary, the available evidence is currently insufficient to determine the role of this variant in disease. Therefore, it has been classified as a Variant of Uncertain Significance. Algorithms developed to predict the effect of missense changes on protein structure and function output the following: SIFT: "Tolerated"; PolyPhen-2: "Benign"; Align-GVGD: "Class C0". The asparagine amino acid residue is found in multiple mammalian species, suggesting that this missense change does not adversely affect protein function. These predictions have not been confirmed by published functional studies and their clinical significance is uncertain. This variant has not been reported in the literature in individuals with ATM-related conditions. This variant is not present in population databases (ExAC no frequency). This sequence change replaces serine with asparagine at codon 1974 of the ATM protein (p.Ser1974Asn). The serine residue is moderately conserved and there is a small physicochemical difference between serine and asparagine.